The following is an entry in ClinVar:

ClinVar aggregate classification (germline): Uncertain significance. Review status: criteria provided, multiple submitters, no conflicts (2 of 4 stars). 2 submissions from 2 submitters: Uncertain significance (2). Last evaluated 2025-10-01.

Conditions:
MHC class I deficiency. Identifiers: Orphanet 34592, MedGen C6024714, MONDO:0011476.

Allele frequency attached by ClinVar (database versions not stated): gnomAD 0.00003 and 0.00004; gnomAD exomes 0.00010; TOPMed 0.00004; ExAC 0.00008.
gnomAD v4.1: 135 of 1,575,696 alleles (0.0086%); highest among the groups gnomAD compares: South Asian, 0.05%; no homozygotes.

Submissions (2):

Labcorp Genetics (formerly Invitae), Labcorp
Classification: Uncertain significance for MHC class I deficiency 1. Last evaluated: 2025-10-01. Review status: criteria provided, single submitter. Criteria: Invitae Variant Classification Sherloc (09022015). Collection method: clinical testing. Allele origin: germline.
Comment: This sequence change replaces threonine, which is neutral and polar, with serine, which is neutral and polar, at codon 188 of the TAPBP protein (p.Thr188Ser). This variant is present in population databases (rs561629511, gnomAD 0.06%). This variant has not been reported in the literature in individuals affected with TAPBP-related conditions. ClinVar contains an entry for this variant (Variation ID: 466399). An algorithm developed to predict the effect of missense changes on protein structure and function outputs the following: PolyPhen-2: "Benign". The serine amino acid residue is found in multiple mammalian species, which suggests that this missense change does not adversely affect protein function. In summary, the available evidence is currently insufficient to determine the role of this variant in disease. Therefore, it has been classified as a Variant of Uncertain Significance.

Ambry Genetics
Classification: Uncertain significance. Last evaluated: 2025-05-03. Review status: criteria provided, single submitter. Criteria: Ambry Variant Classification Scheme 2023. Collection method: clinical testing. Allele origin: germline.

NM_003190.5(TAPBP):c.562A>T (p.Thr188Ser)

Gene: TAPBP (TAP binding protein; minus strand). Cytogenetic location: 6p21.32.
Variant type: single nucleotide variant.
Coding change: c.562A>T on transcript NM_003190.5 (MANE Select); coding-DNA position 562, A replaced by T.
Protein change: p.Thr188Ser; replaces threonine 188 with serine.
Molecular consequence: missense variant.
Genome position (GRCh38, 1-based): chr6:33,305,295, T>A on the plus strand (A>T on the coding strand, the complement: TAPBP is on the minus strand). VCF-style: chr6-33305295-T-A. GRCh37 (hg19) VCF-style: chr6-33273072-T-A.
Other names: c.562A>T, p.Thr188Ser (NM_172208.3); c.301A>T, p.Thr101Ser (NM_172209.3); short protein forms T188S, T101S.
Identifiers: ClinVar variation 466399 (VCV000466399.7), dbSNP rs561629511, ClinGen allele CA3755858.